The following is an entry in ClinVar:

ClinVar aggregate classification (germline): Conflicting classifications of pathogenicity. Review status: criteria provided, conflicting classifications (1 of 4 stars). 2 submissions from 2 submitters: Uncertain significance (1); Likely benign (1). Last evaluated 2024-09-03.

Conditions:
Inborn genetic diseases. Identifiers: MedGen C0950123, MeSH D030342.

Allele frequency attached by ClinVar (database versions not stated): gnomAD 0.00003; TOPMed 0.00005; gnomAD exomes 0.00006; ESP Exome Variant Server 0.00008; ExAC 0.00009.
gnomAD v4.1: 91 of 1,613,124 alleles (0.0056%); highest among the groups gnomAD compares: Non-Finnish European, 0.0075%; no homozygotes.

Submissions (2):

Ambry Genetics
Classification: Likely benign for Inborn genetic diseases. Last evaluated: 2024-09-03. Review status: criteria provided, single submitter. Criteria: Ambry Variant Classification Scheme 2023. Collection method: clinical testing. Allele origin: germline.

Labcorp Genetics (formerly Invitae), Labcorp
Classification: Uncertain significance. Last evaluated: 2022-07-12. Review status: criteria provided, single submitter. Criteria: Invitae Variant Classification Sherloc (09022015). Collection method: clinical testing. Allele origin: germline.
Comment: This sequence change replaces arginine, which is basic and polar, with histidine, which is basic and polar, at codon 1011 of the TUBGCP6 protein (p.Arg1011His). This variant is present in population databases (rs374805072, gnomAD 0.01%). This variant has not been reported in the literature in individuals affected with TUBGCP6-related conditions. Algorithms developed to predict the effect of missense changes on protein structure and function output the following: SIFT: "Deleterious"; PolyPhen-2: "Benign"; Align-GVGD: "Class C0". The histidine amino acid residue is found in multiple mammalian species, which suggests that this missense change does not adversely affect protein function. In summary, the available evidence is currently insufficient to determine the role of this variant in disease. Therefore, it has been classified as a Variant of Uncertain Significance.

NM_020461.4(TUBGCP6):c.3032G>A (p.Arg1011His)

Gene: TUBGCP6 (tubulin gamma complex component 6; minus strand). Cytogenetic location: 22q13.33.
Variant type: single nucleotide variant.
Coding change: c.3032G>A on transcript NM_020461.4 (MANE Select); coding-DNA position 3032, G replaced by A.
Protein change: p.Arg1011His; replaces arginine 1011 with histidine.
Molecular consequence: missense variant.
Genome position (GRCh38, 1-based): chr22:50,221,327, C>T on the plus strand (G>A on the coding strand, the complement: TUBGCP6 is on the minus strand). VCF-style: chr22-50221327-C-T. GRCh37 (hg19) VCF-style: chr22-50659756-C-T.
Other names: c.3032G>A (NM_020461.3); short protein forms R1011H.
Identifiers: ClinVar variation 2198040 (VCV002198040.2), dbSNP rs374805072, ClinGen allele CA10308066.